The following is an entry in ClinVar:

NM_001174147.2(LMX1B):c.748G>T (p.Glu250Ter)

Gene: LMX1B (LIM homeobox transcription factor 1 beta; plus strand). Cytogenetic location: 9q33.3.
Variant type: single nucleotide variant.
Coding change: c.748G>T on transcript NM_001174147.2 (MANE Select); coding-DNA position 748, G replaced by T.
Protein change: p.Glu250Ter; replaces glutamic acid 250 with a stop codon.
Molecular consequence: nonsense.
Genome position (GRCh38, 1-based): chr9:126,693,530, G>T. VCF-style: chr9-126693530-G-T. GRCh37 (hg19) VCF-style: chr9-129455809-G-T.
Other names: c.748G>T, p.Glu250Ter (NM_001174146.2, NM_002316.4); short protein forms E250*.
Identifiers: ClinVar variation 1417356 (VCV001417356.6), dbSNP rs2118992752, ClinGen allele CA374913779.

ClinVar aggregate classification (germline): Pathogenic (1 of 4 stars; one submission).

Submission:

Labcorp Genetics (formerly Invitae), Labcorp
Classification: Pathogenic. Last evaluated: 2022-03-01. Review status: criteria provided, single submitter. Criteria: Invitae Variant Classification Sherloc (09022015). Collection method: clinical testing. Allele origin: germline.
Comment: This sequence change creates a premature translational stop signal (p.Glu250*) in the LMX1B gene. It is expected to result in an absent or disrupted protein product. Loss-of-function variants in LMX1B are known to be pathogenic (PMID: 9590287, 15498463). For these reasons, this variant has been classified as Pathogenic. Algorithms developed to predict the effect of sequence changes on RNA splicing suggest that this variant may create or strengthen a splice site. This variant has not been reported in the literature in individuals affected with LMX1B-related conditions. This variant is not present in population databases (gnomAD no frequency).

Literature cited by the submitters: PubMed 9590287; PubMed 15498463.